The following is an entry in ClinVar:

ClinVar aggregate classification (germline): Uncertain significance (1 of 4 stars; one submission).

Allele frequency attached by ClinVar (database versions not stated): gnomAD exomes below 0.00001 and 0.00001; ExAC 0.00001; TOPMed 0.00003; gnomAD 0.00004.
gnomAD v4.1: 10 of 1,613,486 alleles (0.00062%); highest among the groups gnomAD compares: African/African-American, 0.011%; no homozygotes.

Submission:

Labcorp Genetics (formerly Invitae), Labcorp
Classification: Uncertain significance. Last evaluated: 2022-07-12. Review status: criteria provided, single submitter. Criteria: Invitae Variant Classification Sherloc (09022015). Collection method: clinical testing. Allele origin: germline.
Comment: The COL18A1 gene has multiple clinically relevant transcripts. This variant occurs in alternate transcript NM_030582.4, and corresponds to NM_130445.2:c.107-12449A>G in the primary transcript. This sequence change replaces glutamic acid, which is acidic and polar, with glycine, which is neutral and non-polar, at codon 88 of the COL18A1 protein (p.Glu88Gly). This variant is present in population databases (rs752886739, gnomAD 0.01%). This variant has not been reported in the literature in individuals affected with COL18A1-related conditions. ClinVar contains an entry for this variant (Variation ID: 1450428). Experimental studies and prediction algorithms are not available or were not evaluated, and the functional significance of this variant is currently unknown. In summary, the available evidence is currently insufficient to determine the role of this variant in disease. Therefore, it has been classified as a Variant of Uncertain Significance.

NM_001379500.1(COL18A1):c.107-12449A>G

Gene: COL18A1 (collagen type XVIII alpha 1 chain; plus strand). Cytogenetic location: 21q22.3.
Variant type: single nucleotide variant.
Coding change: c.107-12449A>G on transcript NM_001379500.1 (MANE Select); 12449 bases into the intron before coding-DNA position 107, A replaced by G.
Molecular consequence: intron variant. On other transcripts: missense variant (2).
Genome position (GRCh38, 1-based): chr21:45,455,793, A>G. VCF-style: chr21-45455793-A-G. GRCh37 (hg19) VCF-style: chr21-46875707-A-G.
Other names: c.263A>G, p.Glu88Gly (NM_030582.4, NM_130444.3); short protein forms E88G.
Identifiers: ClinVar variation 1450428 (VCV001450428.3), dbSNP rs752886739, ClinGen allele CA10065423.